The following is an entry in ClinVar:

NC_000016.9:g.(?_53705412)_(53721887_?)del

Gene: RPGRIP1L (RPGRIP1 like; minus strand). Cytogenetic location: 16q12.2.
Variant type: Deletion.
Identifiers: ClinVar variation 2426117 (VCV002426117.6).

ClinVar aggregate classification (germline): Pathogenic (1 of 4 stars; one submission).

Conditions:
Joubert syndrome. Also called: CEREBELLOPARENCHYMAL DISORDER IV; JOUBERT-BOLTSHAUSER SYNDROME; Familial aplasia of the vermis. Identifiers: Orphanet 475, MedGen C5979921, MONDO:0018772.
Meckel-Gruber syndrome. Also called: DYSENCEPHALIA SPLANCHNOCYSTICA; GRUBER SYNDROME; Dysencephalia splachnocystica. Identifiers: Orphanet 564, MedGen C0265215, MONDO:0018921.

Submission:

Labcorp Genetics (formerly Invitae), Labcorp
Classification: Pathogenic for Joubert syndrome; Meckel-Gruber syndrome. Last evaluated: 2022-09-05. Review status: criteria provided, single submitter. Criteria: Invitae Variant Classification Sherloc (09022015). Collection method: clinical testing. Allele origin: germline.
Comment: For these reasons, this variant has been classified as Pathogenic. This variant has not been reported in the literature in individuals affected with RPGRIP1L-related conditions. This variant is a gross deletion of the genomic region encompassing exon(s) 5-9 of the RPGRIP1L gene. This deletion is out-of-frame, and is expected to create a premature termination codon and result in an absent or disrupted protein product. Loss-of-function variants in RPGRIP1L are known to be pathogenic (PMID: 17558409).

Literature cited by the submitters: PubMed 17558409.